The following is an entry in ClinVar:

ClinVar aggregate classification (germline): Uncertain significance (1 of 4 stars; one submission).

Conditions:
Neutral lipid storage myopathy (NLSDM). Also called: NEUTRAL LIPID STORAGE DISEASE WITHOUT ICHTHYOSIS. Identifiers: Orphanet 98908, MedGen C1853136, MONDO:0012545, OMIM 610717.

Allele frequency attached by ClinVar (database versions not stated): gnomAD exomes below 0.00001; gnomAD 0.00001.

Submission:

Labcorp Genetics (formerly Invitae), Labcorp
Classification: Uncertain significance for Neutral lipid storage myopathy. Last evaluated: 2022-08-19. Review status: criteria provided, single submitter. Criteria: Invitae Variant Classification Sherloc (09022015). Collection method: clinical testing. Allele origin: germline.
Comment: This sequence change replaces alanine, which is neutral and non-polar, with threonine, which is neutral and polar, at codon 267 of the PNPLA2 protein (p.Ala267Thr). This variant is not present in population databases (gnomAD no frequency). This variant has not been reported in the literature in individuals affected with PNPLA2-related conditions. Algorithms developed to predict the effect of missense changes on protein structure and function output the following: SIFT: "Tolerated"; PolyPhen-2: "Benign"; Align-GVGD: "Class C0". The threonine amino acid residue is found in multiple mammalian species, which suggests that this missense change does not adversely affect protein function. In summary, the available evidence is currently insufficient to determine the role of this variant in disease. Therefore, it has been classified as a Variant of Uncertain Significance.

NM_020376.4(PNPLA2):c.799G>A (p.Ala267Thr)

Gene: PNPLA2 (patatin like domain 2, triacylglycerol lipase; plus strand). Cytogenetic location: 11p15.5.
Variant type: single nucleotide variant.
Coding change: c.799G>A on transcript NM_020376.4 (MANE Select); coding-DNA position 799, G replaced by A.
Protein change: p.Ala267Thr; replaces alanine 267 with threonine.
Molecular consequence: missense variant.
Genome position (GRCh38, 1-based): chr11:823,735, G>A. VCF-style: chr11-823735-G-A. GRCh37 (hg19) VCF-style: chr11-823735-G-A.
Other names: short protein forms A267T.
Identifiers: ClinVar variation 1716866 (VCV001716866.3), dbSNP rs199992922, ClinGen allele CA216970840.
Genomic context (GRCh38, chr11:823,735, plus strand): 5'-CTTCTCTCCCCAACCCCAGGCCTCCTGAACCGGCCCAACCCCTTGCTGGCGTTGCCCCCC[G>A]CCCGCCCCCACGGCCCAGAGGACAAGGACCAGGCAGTGGAGAGCGCCCAAGCGGAGGATT-3'
Protein context (NP_065109.1, residues 257-277): RPNPLLALPP[Ala267Thr]RPHGPEDKDQ